The following is an entry in ClinVar:

ClinVar aggregate classification (germline): Pathogenic (1 of 4 stars; one submission).

Submission:

Labcorp Genetics (formerly Invitae), Labcorp
Classification: Pathogenic. Last evaluated: 2023-12-28. Review status: criteria provided, single submitter. Criteria: Invitae Variant Classification Sherloc (09022015). Collection method: clinical testing. Allele origin: germline.
Comment: This sequence change inserts a large fragment of DNA, likely a transposable element, in exon 22 of the EYS gene (c.3435_3436ins?), causing a frameshift at codon 1146 (p.Asp1146fs). The exact size and sequence of the insertion cannot be determined by the current assay. However, the insertion is expected to result in an absent or disrupted protein product. This variant has not been reported in the literature in individuals affected with EYS-related conditions. Retrotransposon insertions including LINE1 (L1), Alu, and SVA (SINE-VNTR-Alu) have been reported to be disease-causing through disruption of either a coding region or splice site (PMID: 19763152, 20307669, 22406018) and loss-of-function variants in EYS are known to be pathogenic (PMID: 18836446, 20333770). For these reasons, this variant has been classified as Pathogenic.

Literature cited by the submitters: PubMed 19763152; PubMed 20307669; PubMed 22406018; PubMed 18836446; PubMed 20333770.

NM_001142800.2(EYS):c.3435_3436insTTTTTTTTTTTTTTTTTTTTNNNNNNNNNNGGGTTTCACCGTTTTAGCCGGGATGGTCTCGATCTCCTGACCTCGTGATCCGCCCGCCTCGGCCTCCCAAAGCTGGACATACTTTT (p.Asp1146delinsPhePhePhePhePhePheXaaXaaXaaXaaGlyPheHisArgPheSerArgAspGlyLeuAspLeuLeuThrSerTer)

Gene: EYS (EGF-like photoreceptor maintenance factor; minus strand). Cytogenetic location: 6q12.
Variant type: Microsatellite.
Coding change: c.3435_3436insTTTTTTTTTTTTTTTTTTTTNNNNNNNNNNGGGTTTCACCGTTTTAGCCGGGATGGTCTCGATCTCCTGACCTCGTGATCCGCCCGCCTCGGCCTCCCAAAGCTGGACATACTTTT on transcript NM_001142800.2 (MANE Select); coding-DNA positions 3435 to 3436, TTTTTTTTTTTTTTTTTTTTNNNNNNNNNNGGGTTTCACCGTTTTAGCCGGGATGGTCTCGATCTCCTGACCTCGTGATCCGCCCGCCTCGGCCTCCCAAAGCTGGACATACTTTT inserted.
Protein change: p.Asp1146delinsPhePhePhePhePhePheXaaXaaXaaXaaGlyPheHisArgPheSerArgAspGlyLeuAspLeuLeuThrSerTer.
Molecular consequence: nonsense.
Genome position: GRCh38: chr6:64,813,386-64,813,399. GRCh37 (hg19), VCF-style position (the base before the change): chr6:65,523,278.
Other names: c.3435_3436insTTTTTTTTTTTTTTTTTTTTNNNNNNNNNNGGGTTTCACCGTTTTAGCCGGGATGGTCTCGATCTCCTGACCTCGTGATCCGCCCGCCTCGGCCTCCCAAAGCTGGACATACTTTT, p.Asp1146delinsPhePhePhePhePhePheXaaXaaXaaXaaGlyPheHisArgPheSerArgAspGlyLeuAspLeuLeuThrSerTer (NM_001292009.2).
Identifiers: ClinVar variation 2706174 (VCV002706174.3).